The following is an entry in ClinVar:

NM_002227.4(JAK1):c.3257C>T (p.Ala1086Val)

Gene: JAK1 (Janus kinase 1; minus strand). Cytogenetic location: 1p31.3.
Variant type: single nucleotide variant.
Coding change: c.3257C>T on transcript NM_002227.4 (MANE Select); coding-DNA position 3257, C replaced by T.
Protein change: p.Ala1086Val; replaces alanine 1086 with valine.
Molecular consequence: missense variant.
Genome position (GRCh38, 1-based): chr1:64,836,099, G>A on the plus strand (C>T on the coding strand, the complement: JAK1 is on the minus strand). VCF-style: chr1-64836099-G-A. GRCh37 (hg19) VCF-style: chr1-65301782-G-A.
Other names: c.3257C>T, p.Ala1086Val (NM_001320923.2, NM_001321852.2, NM_001321853.2 and 3 more transcripts); c.3254C>T, p.Ala1085Val (NM_001321857.2); short protein forms A1085V, A1086V.
Identifiers: ClinVar variation 4726016 (VCV004726016.1).

ClinVar aggregate classification (germline): Uncertain significance (1 of 4 stars; one submission).

Submission:

Labcorp Genetics (formerly Invitae), Labcorp
Classification: Uncertain significance. Last evaluated: 2025-08-30. Review status: criteria provided, single submitter. Criteria: Invitae Variant Classification Sherloc (09022015). Collection method: clinical testing. Allele origin: germline.
Comment: This sequence change replaces alanine, which is neutral and non-polar, with valine, which is neutral and non-polar, at codon 1086 of the JAK1 protein (p.Ala1086Val). This variant is not present in population databases (gnomAD no frequency). This variant has not been reported in the literature in individuals affected with JAK1-related conditions. An algorithm developed to predict the effect of missense changes on protein structure and function (PolyPhen-2) suggests that this variant is likely to be tolerated. Algorithms developed to predict the effect of sequence changes on RNA splicing suggest that this variant may disrupt the consensus splice site. In summary, the available evidence is currently insufficient to determine the role of this variant in disease. Therefore, it has been classified as a Variant of Uncertain Significance.